The following is an entry in ClinVar:

NM_020631.6(PLEKHG5):c.1127G>T (p.Cys376Phe)

Gene: PLEKHG5 (pleckstrin homology and RhoGEF domain containing G5; minus strand). Cytogenetic location: 1p36.31.
Variant type: single nucleotide variant.
Coding change: c.1127G>T on transcript NM_020631.6 (MANE Select); coding-DNA position 1127, G replaced by T.
Protein change: p.Cys376Phe; replaces cysteine 376 with phenylalanine.
Molecular consequence: missense variant.
Genome position (GRCh38, 1-based): chr1:6,471,762, C>A on the plus strand (G>T on the coding strand, the complement: PLEKHG5 is on the minus strand). VCF-style: chr1-6471762-C-A. GRCh37 (hg19) VCF-style: chr1-6531822-C-A.
Other names: c.1238G>T, p.Cys413Phe (NM_001042663.3, NM_001265592.2); c.1127G>T, p.Cys376Phe (NM_001042664.2, NM_001042665.2, NM_001265594.3 and 1 more transcripts); c.1334G>T, p.Cys445Phe (NM_001265593.2); short protein forms C376F, C445F, C413F.
Identifiers: ClinVar variation 1799425 (VCV001799425.2), dbSNP rs780446983, ClinGen allele CA561632.

ClinVar aggregate classification (germline): Uncertain significance (1 of 4 stars; one submission).

Conditions:
Inborn genetic diseases. Identifiers: MedGen C0950123, MeSH D030342.

Allele frequency attached by ClinVar (database versions not stated): ExAC 0.00001.

Submission:

Ambry Genetics
Classification: Uncertain significance for Inborn genetic diseases. Last evaluated: 2021-06-17. Review status: criteria provided, single submitter. Criteria: Ambry Variant Classification Scheme 2023. Collection method: clinical testing. Allele origin: germline.
Comment: The p.C376F variant (also known as c.1127G>T), located in coding exon 10 of the PLEKHG5 gene, results from a G to T substitution at nucleotide position 1127. The cysteine at codon 376 is replaced by phenylalanine, an amino acid with highly dissimilar properties. This amino acid position is conserved. In addition, the in silico prediction for this alteration is inconclusive. Since supporting evidence is limited at this time, the clinical significance of this alteration remains unclear.